The following is an entry in ClinVar:

ClinVar aggregate classification (germline): Uncertain significance (1 of 4 stars; one submission).

Submission:

GeneDx
Classification: Uncertain significance. Last evaluated: 2023-05-23. Review status: criteria provided, single submitter. Criteria: GeneDx Variant Classification Process June 2021. Collection method: clinical testing. Allele origin: germline. Affected: yes.
Comment: Not observed at significant frequency in large population cohorts (gnomAD); In silico analysis supports that this missense variant does not alter protein structure/function; Has not been previously published as pathogenic or benign to our knowledge

NM_005045.4(RELN):c.694G>A (p.Gly232Ser)

Gene: RELN (reelin; minus strand). Cytogenetic location: 7q22.1.
Variant type: single nucleotide variant.
Coding change: c.694G>A on transcript NM_005045.4 (MANE Select); coding-DNA position 694, G replaced by A.
Protein change: p.Gly232Ser; replaces glycine 232 with serine.
Molecular consequence: missense variant.
Genome position (GRCh38, 1-based): chr7:103,728,170, C>T on the plus strand (G>A on the coding strand, the complement: RELN is on the minus strand). VCF-style: chr7-103728170-C-T. GRCh37 (hg19) VCF-style: chr7-103368617-C-T.
Other names: c.694G>A, p.Gly232Ser (NM_173054.3); short protein forms G232S.
Identifiers: ClinVar variation 3343563 (VCV003343563.1).